The following is an entry in ClinVar:

NM_014679.5(CEP57):c.1015C>T (p.Arg339Ter)

Gene: CEP57 (centrosomal protein 57; plus strand). Cytogenetic location: 11q21.
Variant type: single nucleotide variant.
Coding change: c.1015C>T on transcript NM_014679.5 (MANE Select); coding-DNA position 1015, C replaced by T.
Protein change: p.Arg339Ter; replaces arginine 339 with a stop codon.
Molecular consequence: nonsense.
Genome position (GRCh38, 1-based): chr11:95,827,915, C>T. VCF-style: chr11-95827915-C-T. GRCh37 (hg19) VCF-style: chr11-95561079-C-T.
Other names: c.988C>T, p.Arg330Ter (NM_001243776.2); c.937C>T, p.Arg313Ter (NM_001243777.2); c.934C>T, p.Arg312Ter (NM_001363604.2); short protein forms R312*, R330*, R339*, R313*.
Identifiers: ClinVar variation 1030345 (VCV001030345.7), dbSNP rs1399711421, ClinGen allele CA382408102.

ClinVar aggregate classification (germline): Pathogenic. Review status: criteria provided, multiple submitters, no conflicts (2 of 4 stars). 2 submissions from 2 submitters: Pathogenic (2). Last evaluated 2020-05-25.

Conditions:
Mosaic variegated aneuploidy syndrome 2 (MVA2). Identifiers: Orphanet 1052, MedGen C3279843, MONDO:0013582, OMIM 614114.

Allele frequency attached by ClinVar (database versions not stated): gnomAD 0.00001; TOPMed 0.00001.
gnomAD v4.1: 1 of 1,613,984 alleles (0.000062%); highest among the groups gnomAD compares: African/African-American, 0.0013%; no homozygotes.

Submissions (2):

Labcorp Genetics (formerly Invitae), Labcorp
Classification: Pathogenic for Mosaic variegated aneuploidy syndrome 2. Last evaluated: 2020-05-25. Review status: criteria provided, single submitter. Criteria: Invitae Variant Classification Sherloc (09022015). Collection method: clinical testing. Allele origin: germline.
Comment: This sequence change creates a premature translational stop signal (p.Arg339*) in the CEP57 gene. It is expected to result in an absent or disrupted protein product. This variant is not present in population databases (ExAC no frequency). This variant has not been reported in the literature in individuals with CEP57-related conditions. Loss-of-function variants in CEP57 are known to be pathogenic (PMID: 21552266, 24259107). For these reasons, this variant has been classified as Pathogenic.

Baylor Genetics
Classification: Pathogenic for Mosaic variegated aneuploidy syndrome 2. Last evaluated: 2020-05-05. Review status: criteria provided, single submitter. Criteria: ACMG Guidelines, 2015. Collection method: clinical testing. Allele origin: unknown. Affected: yes.
Comment: This variant was determined to be pathogenic according to ACMG Guidelines, 2015 [PMID:25741868].

Literature cited by the submitters: PubMed 21552266 (cited by Labcorp Genetics (formerly Invitae), Labcorp); PubMed 24259107 (cited by Labcorp Genetics (formerly Invitae), Labcorp).